The following is an entry in ClinVar:

NM_001291303.3(FAT4):c.3676C>A (p.Leu1226Met)

Gene: FAT4 (FAT atypical cadherin 4; plus strand). Cytogenetic location: 4q28.1.
Variant type: single nucleotide variant.
Coding change: c.3676C>A on transcript NM_001291303.3 (MANE Select); coding-DNA position 3676, C replaced by A.
Protein change: p.Leu1226Met; replaces leucine 1226 with methionine.
Molecular consequence: missense variant.
Genome position (GRCh38, 1-based): chr4:125,320,087, C>A. VCF-style: chr4-125320087-C-A. GRCh37 (hg19) VCF-style: chr4-126241242-C-A.
Other names: c.3676C>A, p.Leu1226Met (NM_001291285.3, NM_024582.6); short protein forms L1226M.
Identifiers: ClinVar variation 2066711 (VCV002066711.4), dbSNP rs1317596447, ClinGen allele CA358124505.
Genomic context (GRCh38, chr4:125,320,087, plus strand): 5'-AATGCTCCCAAATTTTTAAAAGACTTTTACCAAGCTACAATATCAGAATCAGCAGCCAAT[C>A]TGACACAAGTGTTAAGAGTATCTGCCTCAGATGTTGATGAAGGTAATAATGGACTTATTC-3'
Protein context (NP_001278232.1, residues 1216-1236): QATISESAAN[Leu1226Met]TQVLRVSASD

ClinVar aggregate classification (germline): Uncertain significance (1 of 4 stars; one submission).

Submission:

Labcorp Genetics (formerly Invitae), Labcorp
Classification: Uncertain significance. Last evaluated: 2024-01-22. Review status: criteria provided, single submitter. Criteria: Invitae Variant Classification Sherloc (09022015). Collection method: clinical testing. Allele origin: germline.
Comment: This sequence change replaces leucine, which is neutral and non-polar, with methionine, which is neutral and non-polar, at codon 1226 of the FAT4 protein (p.Leu1226Met). This variant is not present in population databases (gnomAD no frequency). This variant has not been reported in the literature in individuals affected with FAT4-related conditions. ClinVar contains an entry for this variant (Variation ID: 2066711). Advanced modeling of protein sequence and biophysical properties (such as structural, functional, and spatial information, amino acid conservation, physicochemical variation, residue mobility, and thermodynamic stability) performed at Invitae indicates that this missense variant is not expected to disrupt FAT4 protein function with a negative predictive value of 80%. In summary, the available evidence is currently insufficient to determine the role of this variant in disease. Therefore, it has been classified as a Variant of Uncertain Significance.